The following is an entry in ClinVar:

NM_025099.6(CTC1):c.1588G>A (p.Glu530Lys)

Gene: CTC1 (CST telomere replication complex component 1; minus strand). Cytogenetic location: 17p13.1.
Variant type: single nucleotide variant.
Coding change: c.1588G>A on transcript NM_025099.6 (MANE Select); coding-DNA position 1588, G replaced by A.
Protein change: p.Glu530Lys; replaces glutamic acid 530 with lysine.
Molecular consequence: missense variant. On other transcripts: non-coding transcript variant (1).
Genome position (GRCh38, 1-based): chr17:8,234,778, C>T on the plus strand (G>A on the coding strand, the complement: CTC1 is on the minus strand). VCF-style: chr17-8234778-C-T. GRCh37 (hg19) VCF-style: chr17-8138096-C-T.
Other names: c.1588G>A, p.Glu530Lys (NM_001411067.1); short protein forms E530K.
Identifiers: ClinVar variation 1719909 (VCV001719909.7), dbSNP rs2507920289, ClinGen allele CA397983689.
Genomic context (GRCh38, chr17:8,234,778, plus strand): 5'-CTGCCACCATCCTTCCCCCACATCCTCATACTTTCTGGAGGGGACAGTGATGTGGCTCTT[C>T]AAGGATCTCATTGTGTGCATTCCGAACAGGGCTGCCTGGCGGAGCTAGAAGATCCAGGGT-3'
Protein context (NP_079375.3, residues 520-540): PVRNAHNEIL[Glu530Lys]EPHHCPLQKY

ClinVar aggregate classification (germline): Uncertain significance. Review status: criteria provided, multiple submitters, no conflicts (2 of 4 stars). 2 submissions from 2 submitters: Uncertain significance (2). Last evaluated 2026-03-25.

Conditions:
Dyskeratosis congenita. Identifiers: Orphanet 1775, MedGen C0265965, MONDO:0015780.

Submissions (2):

Dasa
Classification: Uncertain significance. Last evaluated: 2026-03-25. Review status: criteria provided, single submitter. Criteria: DASA Assertion Criteria. Collection method: clinical testing. Allele origin: germline.
Comment: NM_025099.6(CTC1):c.1588G>A (p.Glu530Lys) is a missense variant that results in the substitution of glutamic acid with lysine. This variant is rare in population databases. The currently available literature and clinical evidence are not sufficient to establish a definitive association between this variant and the reported condition. Therefore, this variant is classified as a variant of uncertain significance.

Labcorp Genetics (formerly Invitae), Labcorp
Classification: Uncertain significance for Dyskeratosis congenita. Last evaluated: 2024-06-12. Review status: criteria provided, single submitter. Criteria: Invitae Variant Classification Sherloc (09022015). Collection method: clinical testing. Allele origin: germline.
Comment: This sequence change replaces glutamic acid, which is acidic and polar, with lysine, which is basic and polar, at codon 530 of the CTC1 protein (p.Glu530Lys). This variant is not present in population databases (gnomAD no frequency). This variant has not been reported in the literature in individuals affected with CTC1-related conditions. ClinVar contains an entry for this variant (Variation ID: 1719909). Advanced modeling of protein sequence and biophysical properties (such as structural, functional, and spatial information, amino acid conservation, physicochemical variation, residue mobility, and thermodynamic stability) performed at Invitae indicates that this missense variant is not expected to disrupt CTC1 protein function with a negative predictive value of 80%. In summary, the available evidence is currently insufficient to determine the role of this variant in disease. Therefore, it has been classified as a Variant of Uncertain Significance.